The following is an entry in ClinVar:

NM_001845.6(COL4A1):c.3480del (p.Ser1161fs)

Gene: COL4A1 (collagen type IV alpha 1 chain; minus strand). Cytogenetic location: 13q34.
Variant type: Deletion.
Coding change: c.3480del on transcript NM_001845.6 (MANE Select); coding-DNA position 3480, one base deleted (G; older notation c.3480delG).
Protein change: p.Ser1161fs; shifts the reading frame from serine 1161.
Molecular consequence: frameshift variant.
Genome position (GRCh38, 1-based): chr13:110,173,925, C deleted on the plus strand (G on the coding strand, the reverse complement: COL4A1 is on the minus strand); the first of 4 consecutive C bases (chr13:110,173,925-110,173,928); deleting any one gives the same sequence. VCF-style (leftmost placement, unchanged base first): chr13-110173924-AC-A. GRCh37 (hg19) VCF-style: chr13-110826271-AC-A.
Other names: short protein forms S1161fs.
Identifiers: ClinVar variation 2501590 (VCV002501590.4), dbSNP rs2501768622, ClinGen allele CA2580616535.

ClinVar aggregate classification (germline): Likely pathogenic. Review status: criteria provided, multiple submitters, no conflicts (2 of 4 stars). 2 submissions from 2 submitters: Likely pathogenic (2). Last evaluated 2025-01-07.

Submissions (2):

GeneDx
Classification: Likely pathogenic. Last evaluated: 2025-01-07. Review status: criteria provided, single submitter. Criteria: GeneDx Variant Classification Process June 2021. Collection method: clinical testing. Allele origin: germline. Affected: yes.
Comment: Frameshift variant predicted to result in protein truncation or nonsense mediated decay in a gene for which loss of function is a known mechanism of disease; Not observed at significant frequency in large population cohorts (gnomAD); Has not been previously published as pathogenic or benign to our knowledge

Athena Diagnostics
Classification: Likely pathogenic. Last evaluated: 2023-02-28. Review status: criteria provided, single submitter. Criteria: Athena Diagnostics Criteria. Collection method: clinical testing. Allele origin: unknown.
Comment: This variant is expected to result in the loss of a functional protein. This variant has not been reported in large, multi-ethnic general populations.